The following is an entry in ClinVar:

NM_001303256.3(MORC2):c.1835G>A (p.Arg612His)

Gene: MORC2 (MORC family CW-type zinc finger 2; minus strand). Cytogenetic location: 22q12.2.
Variant type: single nucleotide variant.
Coding change: c.1835G>A on transcript NM_001303256.3 (MANE Select); coding-DNA position 1835, G replaced by A.
Protein change: p.Arg612His; replaces arginine 612 with histidine.
Molecular consequence: missense variant.
Genome position (GRCh38, 1-based): chr22:30,935,139, C>T on the plus strand (G>A on the coding strand, the complement: MORC2 is on the minus strand). VCF-style: chr22-30935139-C-T. GRCh37 (hg19) VCF-style: chr22-31331126-C-T.
Other names: c.1835G>A, p.Arg612His (NM_001303257.2); c.1649G>A, p.Arg550His (NM_014941.3); short protein forms R550H, R612H.
Identifiers: ClinVar variation 1480198 (VCV001480198.6), dbSNP rs763388376, ClinGen allele CA10186822.

ClinVar aggregate classification (germline): Uncertain significance (1 of 4 stars; one submission).

Conditions:
Charcot-Marie-Tooth disease axonal type 2Z. Also called: CHARCOT-MARIE-TOOTH DISEASE, AXONAL, AUTOSOMAL DOMINANT, TYPE 2Z; CHARCOT-MARIE-TOOTH NEUROPATHY, TYPE 2Z. Identifiers: Orphanet 466768, MedGen C5569025, MONDO:0014736, OMIM 616688.

Allele frequency attached by ClinVar (database versions not stated): gnomAD 0.00001; gnomAD exomes 0.00001; TOPMed 0.00001; ExAC 0.00002.
gnomAD v4.1: 11 of 1,612,868 alleles (0.00068%); highest among the groups gnomAD compares: Admixed American, 0.0017%; no homozygotes.

Submission:

Labcorp Genetics (formerly Invitae), Labcorp
Classification: Uncertain significance for Charcot-Marie-Tooth disease axonal type 2Z. Last evaluated: 2021-11-14. Review status: criteria provided, single submitter. Criteria: Invitae Variant Classification Sherloc (09022015). Collection method: clinical testing. Allele origin: germline.
Comment: This sequence change replaces arginine, which is basic and polar, with histidine, which is basic and polar, at codon 612 of the MORC2 protein (p.Arg612His). This variant is present in population databases (rs763388376, gnomAD 0.003%). This variant has not been reported in the literature in individuals affected with MORC2-related conditions. Experimental studies and prediction algorithms are not available or were not evaluated, and the functional significance of this variant is currently unknown. In summary, the available evidence is currently insufficient to determine the role of this variant in disease. Therefore, it has been classified as a Variant of Uncertain Significance.